The following is an entry in ClinVar:

ClinVar aggregate classification (germline): Conflicting classifications of pathogenicity. Review status: criteria provided, conflicting classifications (1 of 4 stars). 6 submissions from 6 submitters: Uncertain significance (1); Benign (1); Likely benign (4). Last evaluated 2025-12-29.

Conditions:
TTN-related disorder. Also called: TTN-related condition; TTN-related disease; TTN-related disorders.
Cardiovascular phenotype. Identifiers: MedGen CN230736.
Dilated cardiomyopathy 1G (CMD1G). Identifiers: Orphanet 154, MedGen C1858763, MONDO:0011400, OMIM 604145.
Autosomal recessive limb-girdle muscular dystrophy type 2J (LGMDR10). Also called: Limb-girdle muscular dystrophy, type 2J; MUSCULAR DYSTROPHY, LIMB-GIRDLE, AUTOSOMAL RECESSIVE 10. Identifiers: Orphanet 140922, MedGen C1837342, MONDO:0012127, OMIM 608807.

Allele frequency attached by ClinVar (database versions not stated): gnomAD 0.00011 and 0.00010; TOPMed 0.00012; ESP Exome Variant Server 0.00016; gnomAD exomes 0.00001; ExAC 0.00002.
gnomAD v4.1: 24 of 1,613,706 alleles (0.0015%); highest among the groups gnomAD compares: African/African-American, 0.023%; no homozygotes.

Submissions (6):

Labcorp Genetics (formerly Invitae), Labcorp
Classification: Likely benign for Dilated cardiomyopathy 1G; Autosomal recessive limb-girdle muscular dystrophy type 2J. Last evaluated: 2025-12-29. Review status: criteria provided, single submitter. Criteria: Invitae Variant Classification Sherloc (09022015). Collection method: clinical testing. Allele origin: germline.

PreventionGenetics, part of Exact Sciences
Classification: Likely benign for TTN-related condition. Last evaluated: 2025-03-28. Review status: criteria provided, single submitter. Criteria: ACMG Guidelines, 2015. Collection method: clinical testing. Allele origin: germline.
Comment: This variant is classified as likely benign based on ACMG/AMP sequence variant interpretation guidelines (Richards et al. 2015 PMID: 25741868, with internal and published modifications).

Athena Diagnostics
Classification: Benign. Last evaluated: 2024-04-15. Review status: criteria provided, single submitter. Criteria: Athena Diagnostics Criteria. Collection method: clinical testing. Allele origin: unknown.

GeneDx
Classification: Likely benign. Last evaluated: 2020-05-20. Review status: criteria provided, single submitter. Criteria: GeneDx Variant Classification Process June 2021. Collection method: clinical testing. Allele origin: germline. Affected: yes.

Ambry Genetics
Classification: Likely benign for Cardiovascular phenotype. Last evaluated: 2019-06-24. Review status: criteria provided, single submitter. Criteria: Ambry Variant Classification Scheme 2023. Collection method: clinical testing. Allele origin: germline.

Eurofins Ntd Llc (ga)
Classification: Uncertain significance. Last evaluated: 2015-03-31. Review status: criteria provided, single submitter. Criteria: EGL Classification Definitions 2015. Collection method: clinical testing. Allele origin: germline. Observed: 1 variant allele, 1 heterozygote.

NM_001267550.2(TTN):c.94980A>G (p.Glu31660=)

Genes: TTN (titin; minus strand), TTN-AS1 (TTN antisense RNA 1; plus strand). Cytogenetic location: 2q31.2.
Variant type: single nucleotide variant.
Coding change: c.94980A>G on transcript NM_001267550.2 (MANE Select); coding-DNA position 94980, A replaced by G.
Protein change: p.Glu31660=; no amino-acid change (glutamic acid 31660 retained).
Molecular consequence: synonymous variant.
Genome position (GRCh38, 1-based): chr2:178,546,351, T>C on the plus strand (A>G on the coding strand, the complement: TTN is on the minus strand). VCF-style: chr2-178546351-T-C. GRCh37 (hg19) VCF-style: chr2-179411078-T-C.
Other names: c.90057A>G, p.Glu30019= (NM_001256850.1); c.67785A>G, p.Glu22595= (NM_003319.4); c.87276A>G, p.Glu29092= (NM_133378.4); c.68160A>G, p.Glu22720= (NM_133432.3); c.68361A>G, p.Glu22787= (NM_133437.4); c.94980A>G (NM_001267550.1).
Identifiers: ClinVar variation 196194 (VCV000196194.22), dbSNP rs370769662, ClinGen allele CA243073.
Genomic context (GRCh38, chr2:178,546,351, plus strand): 5'-TCTGTCACAGAACTTGATCACAGCAGTTGCTCGTTTGCCAGTATACTGCAAAGAGACTTT[T>C]TCACAGAGATCTAGCTCCTTGTCTCCTTTGGTCCAGATAATTTTGGGTTCAGGTTTGCCA-3'
Protein context (NP_001254479.2, residues 31650-31670): TKGDKELDLC[Glu31660=]KVSLQYTGKR